The following is an entry in ClinVar:

ClinVar aggregate classification (germline): Uncertain significance (1 of 4 stars; one submission).

gnomAD v4.1: 1 of 1,613,954 alleles (0.000062%); highest among the groups gnomAD compares: Non-Finnish European, 0.000085%; no homozygotes.

Submission:

Labcorp Genetics (formerly Invitae), Labcorp
Classification: Uncertain significance. Last evaluated: 2023-09-22. Review status: criteria provided, single submitter. Criteria: Invitae Variant Classification Sherloc (09022015). Collection method: clinical testing. Allele origin: germline.
Comment: This sequence change falls in intron 15 of the MICAL1 gene. It does not directly change the encoded amino acid sequence of the MICAL1 protein. This variant is not present in population databases (gnomAD no frequency). This variant has not been reported in the literature in individuals affected with MICAL1-related conditions. Algorithms developed to predict the effect of sequence changes on RNA splicing suggest that this variant may create or strengthen a splice site. In summary, the available evidence is currently insufficient to determine the role of this variant in disease. Therefore, it has been classified as a Variant of Uncertain Significance.

NM_022765.4(MICAL1):c.1986+12C>T

Gene: MICAL1 (microtubule associated monooxygenase, calponin and LIM domain containing 1; minus strand). Cytogenetic location: 6q21.
Variant type: single nucleotide variant.
Coding change: c.1986+12C>T on transcript NM_022765.4 (MANE Select); 12 bases into the intron after coding-DNA position 1986, C replaced by T.
Molecular consequence: intron variant.
Genome position (GRCh38, 1-based): chr6:109,447,669, G>A on the plus strand (C>T on the coding strand, the complement: MICAL1 is on the minus strand). VCF-style: chr6-109447669-G-A. GRCh37 (hg19) VCF-style: chr6-109768872-G-A.
Other names: c.2043+12C>T (NM_001286613.2); c.1728+12C>T (NM_001159291.2).
Identifiers: ClinVar variation 2720406 (VCV002720406.3), dbSNP rs2482782913, ClinGen allele CA2679952369.